The following is an entry in ClinVar:

NM_000051.4(ATM):c.2124+19dup

Gene: ATM (ATM serine/threonine kinase; plus strand). Cytogenetic location: 11q22.3.
Variant type: Duplication.
Coding change: c.2124+19dup on transcript NM_000051.4 (MANE Select); 19 bases into the intron after coding-DNA position 2124, one base duplicated (A; older notation c.2124+19dupA).
Molecular consequence: intron variant.
Genome position (GRCh38, 1-based): chr11:108,254,058, A duplicated; the last of 7 consecutive A bases (chr11:108,254,052-108,254,058); duplicating any one gives the same sequence. VCF-style (leftmost placement, unchanged base first): chr11-108254051-T-TA. GRCh37 (hg19) VCF-style: chr11-108124778-T-TA.
Other names: c.2124+19dupA (NM_000051.3); c.2124+19dup (NM_001351834.2).
Identifiers: ClinVar variation 419863 (VCV000419863.12), dbSNP rs35211268, ClinGen allele CA6264938.

ClinVar aggregate classification (germline): Benign/Likely benign. Review status: criteria provided, multiple submitters, no conflicts (2 of 4 stars). 4 submissions from 4 submitters: Benign (1); Likely benign (3). Last evaluated 2025-12-03.

Conditions:
Ataxia-telangiectasia syndrome (AT). Also called: Ataxia-telangiectasia, complementation group D; Cerebello-oculocutaneous telangiectasia; Immunodeficiency with ataxia telangiectasia; ATAXIA-TELANGIECTASIA, COMPLEMENTATION GROUP A; ATAXIA-TELANGIECTASIA, FRESNO VARIANT; LOUIS-BAR SYNDROME. Identifiers: Orphanet 100, MedGen C0004135, MONDO:0008840, OMIM 208900.
Hereditary cancer-predisposing syndrome. Also called: Hereditary neoplastic syndrome; Hereditary Cancer Syndrome; Neoplastic Syndromes, Hereditary; Tumor predisposition. Identifiers: Orphanet 140162, MedGen C0027672, MeSH D009386, MONDO:0015356.

Submissions (4):

Labcorp Genetics (formerly Invitae), Labcorp
Classification: Benign for Ataxia-telangiectasia syndrome. Last evaluated: 2025-12-03. Review status: criteria provided, single submitter. Criteria: Invitae Variant Classification Sherloc (09022015). Collection method: clinical testing. Allele origin: germline.

Sema4
Classification: Likely benign for Hereditary cancer-predisposing syndrome. Last evaluated: 2020-11-13. Review status: criteria provided, single submitter. Criteria: Sema4 Curation Guidelines. Collection method: curation. Allele origin: germline.

GeneDx
Classification: Likely benign. Last evaluated: 2016-09-21. Review status: criteria provided, single submitter. Criteria: GeneDx Variant Classification (06012015). Collection method: clinical testing. Allele origin: germline. Affected: yes.
Comment: This variant is considered likely benign or benign based on one or more of the following criteria: it is a conservative change, it occurs at a poorly conserved position in the protein, it is predicted to be benign by multiple in silico algorithms, and/or has population frequency not consistent with disease.

Color Diagnostics, LLC DBA Color Health
Classification: Likely benign for Hereditary cancer-predisposing syndrome. Last evaluated: 2016-07-18. Review status: criteria provided, single submitter. Criteria: ACMG Guidelines, 2015. Collection method: clinical testing. Allele origin: germline.